The following is an entry in ClinVar:

NM_003803.4(MYOM1):c.2222C>T (p.Ala741Val)

Gene: MYOM1 (myomesin 1; minus strand). Cytogenetic location: 18p11.31.
Variant type: single nucleotide variant.
Coding change: c.2222C>T on transcript NM_003803.4 (MANE Select); coding-DNA position 2222, C replaced by T.
Protein change: p.Ala741Val; replaces alanine 741 with valine.
Molecular consequence: missense variant.
Genome position (GRCh38, 1-based): chr18:3,134,812, G>A on the plus strand (C>T on the coding strand, the complement: MYOM1 is on the minus strand). VCF-style: chr18-3134812-G-A. GRCh37 (hg19) VCF-style: chr18-3134810-G-A.
Other names: c.2222C>T, p.Ala741Val (NM_019856.2); short protein forms A741V.
Identifiers: ClinVar variation 2783615 (VCV002783615.3), dbSNP rs2510634492, ClinGen allele CA401712828.

ClinVar aggregate classification (germline): Uncertain significance (1 of 4 stars; one submission).

Conditions:
Hypertrophic cardiomyopathy. Also called: HYPERTROPHIC MYOCARDIOPATHY. Identifiers: Orphanet 217569, MedGen C0007194, MeSH D002312, MONDO:0005045, HP:0001639.

Submission:

Labcorp Genetics (formerly Invitae), Labcorp
Classification: Uncertain significance for Hypertrophic cardiomyopathy. Last evaluated: 2023-07-22. Review status: criteria provided, single submitter. Criteria: Invitae Variant Classification Sherloc (09022015). Collection method: clinical testing. Allele origin: germline.
Comment: In summary, the available evidence is currently insufficient to determine the role of this variant in disease. Therefore, it has been classified as a Variant of Uncertain Significance. Advanced modeling of protein sequence and biophysical properties (such as structural, functional, and spatial information, amino acid conservation, physicochemical variation, residue mobility, and thermodynamic stability) performed at Invitae indicates that this missense variant is not expected to disrupt MYOM1 protein function. This variant has not been reported in the literature in individuals affected with MYOM1-related conditions. This variant is not present in population databases (gnomAD no frequency). This sequence change replaces alanine, which is neutral and non-polar, with valine, which is neutral and non-polar, at codon 741 of the MYOM1 protein (p.Ala741Val).